The following is an entry in ClinVar:

ClinVar aggregate classification (germline): Uncertain significance. Review status: criteria provided, multiple submitters, no conflicts (2 of 4 stars). 2 submissions from 2 submitters: Uncertain significance (2). Last evaluated 2025-11-05.

Conditions:
Autosomal recessive limb-girdle muscular dystrophy type 2N. Also called: MUSCULAR DYSTROPHY-DYSTROGLYCANOPATHY, LIMB-GIRDLE, POMT2-RELATED; Muscular dystrophy-dystroglycanopathy (limb-girdle), type C, 2. Identifiers: Orphanet 206559, MedGen C3150418, MONDO:0013162, OMIM 613158.
Muscular dystrophy-dystroglycanopathy (congenital with impaired intellectual development), type B, 2. Also called: MUSCULAR DYSTROPHY, CONGENITAL, POMT2-RELATED; Muscular dystrophy-dystroglycanopathy (congenital with intellectual disability), type B2. Identifiers: MedGen C3150416, MONDO:0013160, OMIM 613156.
Muscular dystrophy-dystroglycanopathy (congenital with brain and eye anomalies), type A2. Also called: MUSCULAR DYSTROPHY-DYSTROGLYCANOPATHY (CONGENITAL WITH BRAIN AND EYE ANOMALIES), TYPE A, 2; WALKER-WARBURG SYNDROME OR MUSCLE-EYE-BRAIN DISEASE, POMT2-RELATED. Identifiers: Orphanet 588, Orphanet 899, MedGen C3150411, MONDO:0013154, OMIM 613150.
Inborn genetic diseases. Identifiers: MedGen C0950123, MeSH D030342.

gnomAD v4.1: 9 of 1,497,174 alleles (0.0006%); highest among the groups gnomAD compares: African/African-American, 0.0084%; no homozygotes.

Submissions (2):

Ambry Genetics
Classification: Uncertain significance for Inborn genetic diseases. Last evaluated: 2025-11-05. Review status: criteria provided, single submitter. Criteria: Ambry Variant Classification Scheme 2023. Collection method: clinical testing. Allele origin: germline.

Labcorp Genetics (formerly Invitae), Labcorp
Classification: Uncertain significance for Muscular dystrophy-dystroglycanopathy (congenital with impaired intellectual development), type B, 2; Muscular dystrophy-dystroglycanopathy (congenital with brain and eye anomalies), type A2; Autosomal recessive limb-girdle muscular dystrophy type 2N. Last evaluated: 2025-07-23. Review status: criteria provided, single submitter. Criteria: Invitae Variant Classification Sherloc (09022015). Collection method: clinical testing. Allele origin: germline.
Comment: This sequence change replaces histidine, which is basic and polar, with arginine, which is basic and polar, at codon 702 of the POMT2 protein (p.His702Arg). The frequency data for this variant in the population databases is considered unreliable, as metrics indicate poor data quality at this position in the gnomAD database. This variant has not been reported in the literature in individuals affected with POMT2-related conditions. Invitae Evidence Modeling of protein sequence and biophysical properties (such as structural, functional, and spatial information, amino acid conservation, physicochemical variation, residue mobility, and thermodynamic stability) indicates that this missense variant is not expected to disrupt POMT2 protein function with a negative predictive value of 95%. In summary, the available evidence is currently insufficient to determine the role of this variant in disease. Therefore, it has been classified as a Variant of Uncertain Significance.

NM_013382.7(POMT2):c.2105A>G (p.His702Arg)

Gene: POMT2 (protein O-mannosyltransferase 2; minus strand). Cytogenetic location: 14q24.3.
Variant type: single nucleotide variant.
Coding change: c.2105A>G on transcript NM_013382.7 (MANE Select); coding-DNA position 2105, A replaced by G.
Protein change: p.His702Arg; replaces histidine 702 with arginine.
Molecular consequence: missense variant.
Genome position (GRCh38, 1-based): chr14:77,278,436, T>C on the plus strand (A>G on the coding strand, the complement: POMT2 is on the minus strand). VCF-style: chr14-77278436-T-C. GRCh37 (hg19) VCF-style: chr14-77744779-T-C.
Other names: short protein forms H702R.
Identifiers: ClinVar variation 4628202 (VCV004628202.2).
Genomic context (GRCh38, chr14:77,278,436, plus strand): 5'-AGGTGCAGAGATGCTCACCTGTAGGCAGTTCCCAGGAGCAGGCTCAGGATTCCCGCCACA[T>C]GTATGCCCCTCGCCAGGGGCCATGAGGCCAAGCCCCAGGCACAGAGCCGCAGGAGGGTGT-3'
Protein context (NP_037514.2, residues 692-712): LASWPLARGI[His702Arg]VAGILSLLLG